The following is an entry in ClinVar:

ClinVar aggregate classification (germline): Benign/Likely benign. Review status: criteria provided, multiple submitters, no conflicts (2 of 4 stars). 3 submissions from 3 submitters: Benign (1); Likely benign (2). Last evaluated 2024-10-28.

Conditions:
Hereditary cancer-predisposing syndrome. Also called: Hereditary Cancer Syndrome; Hereditary neoplastic syndrome; Neoplastic Syndromes, Hereditary; Tumor predisposition. Identifiers: Orphanet 140162, MedGen C0027672, MeSH D009386, MONDO:0015356.
Prostate cancer, hereditary, 9 (HPC9). Identifiers: Orphanet 1331, MedGen C1970250, MONDO:0012597, OMIM 610997.

Submissions (3):

Myriad Genetics, Inc.
Classification: Benign for Prostate cancer, hereditary, 9. Last evaluated: 2024-10-28. Review status: criteria provided, single submitter. Criteria: Myriad Autosomal Dominant, Autosomal Recessive and X-Linked Classification Criteria (2023). Collection method: clinical testing. Allele origin: unknown.
Comment: This variant is considered benign. This variant is a silent/synonymous amino acid change and it is not expected to impact splicing.

Ambry Genetics
Classification: Likely benign for Hereditary cancer-predisposing syndrome. Last evaluated: 2022-08-24. Review status: criteria provided, single submitter. Criteria: Ambry Variant Classification Scheme 2023. Collection method: clinical testing. Allele origin: germline.

Labcorp Genetics (formerly Invitae), Labcorp
Classification: Likely benign. Last evaluated: 2022-05-31. Review status: criteria provided, single submitter. Criteria: Invitae Variant Classification Sherloc (09022015). Collection method: clinical testing. Allele origin: germline.

NM_006361.6(HOXB13):c.9C>T (p.Pro3=)

Gene: HOXB13 (homeobox B13; minus strand). Cytogenetic location: 17q21.32.
Variant type: single nucleotide variant.
Coding change: c.9C>T on transcript NM_006361.6 (MANE Select); coding-DNA position 9, C replaced by T.
Protein change: p.Pro3=; no amino-acid change (proline 3 retained).
Molecular consequence: synonymous variant.
Genome position (GRCh38, 1-based): chr17:48,728,585, G>A on the plus strand (C>T on the coding strand, the complement: HOXB13 is on the minus strand). VCF-style: chr17-48728585-G-A. GRCh37 (hg19) VCF-style: chr17-46805947-G-A.
Identifiers: ClinVar variation 1768920 (VCV001768920.8), dbSNP rs1597935416, ClinGen allele CA500503475.